The following is an entry in ClinVar:

NM_007325.5(GRIA3):c.821A>G (p.Asn274Ser)

Gene: GRIA3 (glutamate ionotropic receptor AMPA type subunit 3; plus strand). Cytogenetic location: Xq25.
Variant type: single nucleotide variant.
Coding change: c.821A>G on transcript NM_007325.5 (MANE Select); coding-DNA position 821, A replaced by G.
Protein change: p.Asn274Ser; replaces asparagine 274 with serine.
Molecular consequence: missense variant.
Genome position (GRCh38, 1-based): chrX:123,395,038, A>G. VCF-style: chrX-123395038-A-G. GRCh37 (hg19) VCF-style: chrX-122528889-A-G.
Other names: c.821A>G, p.Asn274Ser (NM_000828.5); short protein forms N274S.
Identifiers: ClinVar variation 2502665 (VCV002502665.1), dbSNP rs2521145514, ClinGen allele CA414257359.
Genomic context (GRCh38, chrX:123,395,038, plus strand): 5'-ATATTTTACTGGAAAGAGTCATGCATGGGGGAGCCAACATTACAGGTTTCCAGATTGTCA[A>G]CAATGAAAACCCTATGGTTCAGCAGTTCATACAGCGCTGGGTGAGGCTGGATGAAAGGGA-3'
Protein context (NP_015564.5, residues 264-284): GANITGFQIV[Asn274Ser]NENPMVQQFI

ClinVar aggregate classification (germline): Uncertain significance (1 of 4 stars; one submission).

Submission:

GeneDx
Classification: Uncertain significance. Last evaluated: 2022-11-16. Review status: criteria provided, single submitter. Criteria: GeneDx Variant Classification Process June 2021. Collection method: clinical testing. Allele origin: germline. Affected: yes.
Comment: Not observed at significant frequency in large population cohorts (gnomAD); In silico analysis supports that this missense variant has a deleterious effect on protein structure/function; Has not been previously published as pathogenic or benign to our knowledge